The following is an entry in ClinVar:

NM_174936.4(PCSK9):c.-4C>A

Gene: PCSK9 (proprotein convertase subtilisin/kexin type 9; plus strand). Cytogenetic location: 1p32.3.
Variant type: single nucleotide variant.
Coding change: c.-4C>A on transcript NM_174936.4 (MANE Select); 4 bases upstream of the start codon, C replaced by A.
Molecular consequence: 5 prime UTR variant. On other transcripts: non-coding transcript variant (8).
Genome position (GRCh38, 1-based): chr1:55,039,834, C>A. VCF-style: chr1-55039834-C-A. GRCh37 (hg19) VCF-style: chr1-55505507-C-A.
Other names: c.-4C>A (NM_001407240.1, NM_001407241.1, NM_001407242.1 and 4 more transcripts); c.-738C>A (NM_001407246.1).
Identifiers: ClinVar variation 3074850 (VCV003074850.1), dbSNP rs1357021576, ClinGen allele CA523275407.

ClinVar aggregate classification (germline): Uncertain significance (1 of 4 stars; one submission).

Conditions:
Hypercholesterolemia, autosomal dominant, 3 (FHCL3). Also called: Familial Hypercholesterolemia, Autosomal Dominant, 3; PCSK9-Related Familial Hypercholesterolemia, Autosomal Dominant; Familial hypercholesterolemia 3. Identifiers: MedGen C1863551, MONDO:0011369, OMIM 603776.

gnomAD v4.1: 1 of 1,567,040 alleles (0.000064%); highest among the groups gnomAD compares: Admixed American, 0.0019%; no homozygotes.

Submission:

All of Us Research Program, National Institutes of Health
Classification: Uncertain significance for Hypercholesterolemia, autosomal dominant, 3. Last evaluated: 2023-12-13. Review status: criteria provided, single submitter. Criteria: ACMG Guidelines, 2015. Collection method: clinical testing. Allele origin: germline. Inheritance: Autosomal dominant inheritance. Observed: 1 variant allele, 1 heterozygote.
Comment: This variant is located in the 5' untranslated region of the PCSK9 gene. To our knowledge, functional studies have not been reported for this variant. This variant has not been reported in individuals affected with PCSK9-related disorders in the literature. This variant has been identified in 1/173680 chromosomes in the general population by the Genome Aggregation Database (gnomAD). The available evidence is insufficient to determine the role of this variant in disease conclusively. Therefore, this variant is classified as a Variant of Uncertain Significance.

This study involves interpretation of variants in research participants for the purpose of population health screening. Participant phenotype was not available at the time of variant classification. Additional details can be found in publication PMID: 35346344, PMCID: PMC8962531